The following is an entry in ClinVar:

ClinVar aggregate classification (germline): Uncertain significance. Review status: criteria provided, multiple submitters, no conflicts (2 of 4 stars). 3 submissions from 3 submitters: Uncertain significance (3). Last evaluated 2025-05-23.

Conditions:
WNT10A-related disorder. Also called: WNT10A-related condition; WNT10A-related disorders.
Inborn genetic diseases. Identifiers: MedGen C0950123, MeSH D030342.

Allele frequency attached by ClinVar (database versions not stated): ExAC 0.00001; gnomAD 0.00001; TOPMed 0.00002; gnomAD exomes 0.00004.
gnomAD v4.1: 52 of 1,614,068 alleles (0.0032%); highest among the groups gnomAD compares: Non-Finnish European, 0.0044%; no homozygotes.

Submissions (3):

PreventionGenetics, part of Exact Sciences
Classification: Uncertain significance for WNT10A-related condition. Last evaluated: 2025-05-23. Review status: criteria provided, single submitter. Criteria: ACMG Guidelines, 2015. Collection method: clinical testing. Allele origin: germline.
Comment: The WNT10A c.200T>C variant is predicted to result in the amino acid substitution p.Leu67Pro. To our knowledge, this variant has not been reported in the literature. This variant is reported in 0.0018% of alleles in individuals of European (Non-Finnish) descent in gnomAD. At this time, the clinical significance of this variant is uncertain due to the absence of conclusive functional and genetic evidence.

Greenwood Genetic Center Diagnostic Laboratories, Greenwood Genetic Center
Classification: Uncertain significance. Last evaluated: 2024-09-06. Review status: criteria provided, single submitter. Criteria: ACMG Guidelines, 2015. Collection method: clinical testing. Allele origin: germline. Affected: yes.
Comment: PM2, PP3

Ambry Genetics
Classification: Uncertain significance for Inborn genetic diseases. Last evaluated: 2024-01-23. Review status: criteria provided, single submitter. Criteria: Ambry Variant Classification Scheme 2023. Collection method: clinical testing. Allele origin: germline.

NM_025216.3(WNT10A):c.200T>C (p.Leu67Pro)

Gene: WNT10A (Wnt family member 10A; plus strand). Cytogenetic location: 2q35.
Variant type: single nucleotide variant.
Coding change: c.200T>C on transcript NM_025216.3 (MANE Select); coding-DNA position 200, T replaced by C.
Protein change: p.Leu67Pro; replaces leucine 67 with proline.
Molecular consequence: missense variant.
Genome position (GRCh38, 1-based): chr2:218,882,247, T>C. VCF-style: chr2-218882247-T-C. GRCh37 (hg19) VCF-style: chr2-219746969-T-C.
Other names: short protein forms L67P.
Identifiers: ClinVar variation 3190700 (VCV003190700.3), dbSNP rs772059787, ClinGen allele CA2113855.